The following is an entry in ClinVar:

NM_000540.3(RYR1):c.111C>T (p.Ala37=)

Gene: RYR1 (ryanodine receptor 1; plus strand). Cytogenetic location: 19q13.2.
Variant type: single nucleotide variant.
Coding change: c.111C>T on transcript NM_000540.3 (MANE Select); coding-DNA position 111, C replaced by T.
Protein change: p.Ala37=; no amino-acid change (alanine 37 retained).
Molecular consequence: synonymous variant.
Genome position (GRCh38, 1-based): chr19:38,440,810, C>T. VCF-style: chr19-38440810-C-T. GRCh37 (hg19) VCF-style: chr19-38931450-C-T.
Other names: c.111C>T, p.Ala37= (NM_001042723.2).
Identifiers: ClinVar variation 2726768 (VCV002726768.6), dbSNP rs142909076, ClinGen allele CA056367.

ClinVar aggregate classification (germline): Likely benign. Review status: criteria provided, multiple submitters, no conflicts (2 of 4 stars). 3 submissions from 3 submitters: Likely benign (3). Last evaluated 2025-08-11.

Conditions:
Malignant hyperthermia, susceptibility to, 1 (MHS1). Also called: Anesthesia related hyperthermia; Malignant hyperpyrexia; Fulminating hyperpyrexia; Pharmacogenic myopathy; RYR1-Related Malignant Hyperthermia Susceptibility; Malignant hyperthermia suceptibility 1. Identifiers: Orphanet 423, MedGen C2930980, MONDO:0007783, OMIM 145600.
RYR1-related disorder. Also called: RYR1-related disorders; RYR1-related condition. Identifiers: MedGen CN239331.

Allele frequency attached by ClinVar (database versions not stated): ExAC 0.00001; ESP Exome Variant Server 0.00008.
gnomAD v4.1: 30 of 1,609,064 alleles (0.0019%); highest among the groups gnomAD compares: Non-Finnish European, 0.0023%; no homozygotes.

Submissions (3):

Labcorp Genetics (formerly Invitae), Labcorp
Classification: Likely benign for RYR1-related disorder. Last evaluated: 2025-08-11. Review status: criteria provided, single submitter. Criteria: Invitae Variant Classification Sherloc (09022015). Collection method: clinical testing. Allele origin: germline.

All of Us Research Program, National Institutes of Health
Classification: Likely benign for Malignant hyperthermia, susceptibility to, 1. Last evaluated: 2024-07-20. Review status: criteria provided, single submitter. Criteria: ACMG Guidelines, 2015. Collection method: clinical testing. Allele origin: germline. Inheritance: Autosomal dominant inheritance. Observed: 5 variant alleles, 5 heterozygotes.
Comment: This study involves interpretation of variants in research participants for the purpose of population health screening. Participant phenotype was not available at the time of variant classification. Additional details can be found in publication PMID: 35346344, PMCID: PMC8962531

Color Diagnostics, LLC DBA Color Health
Classification: Likely benign for Malignant hyperthermia, susceptibility to, 1. Last evaluated: 2022-11-06. Review status: criteria provided, single submitter. Criteria: ACMG Guidelines, 2015. Collection method: clinical testing. Allele origin: germline.